The following is an entry in ClinVar:

ClinVar aggregate classification (germline): Pathogenic. Review status: no assertion criteria provided (0 of 4 stars). 2 submissions from 1 submitter: Pathogenic (2). Last evaluated 1999-04-01.
ClinVar aggregate classification (somatic clinical impact): Tier I - Strong (1 of 4 stars; one submission).

Conditions:
Pilomatrixoma (PTR). Also called: PILOMATRICOMA; Pilomatricoma, somatic; EPITHELIOMA CALCIFICANS OF MALHERBE. Identifiers: Orphanet 91414, MedGen C0206711, MeSH D018296, MONDO:0007564, OMIM 132600, HP:0030434.
Carcinoma of colon (CRC). Also called: Colonic carcinoma; Colon carcinoma. Identifiers: MedGen C0699790, MONDO:0002032.
Adamantinous craniopharyngioma. Identifiers: MedGen C0431129, MONDO:0002787.

Submissions (3):

Institute for Genomic Medicine (IGM) Clinical Laboratory, Nationwide Children's Hospital
Classification: Tier I - Strong for Adamantinous craniopharyngioma. Assertion type: diagnostic. Clinical significance: supports diagnosis. Last evaluated: 2023-04-11. Review status: criteria provided, single submitter. Criteria: AMP/ASCO/CAP Guidelines, 2017. Collection method: clinical testing. Allele origin: somatic. Affected: yes.
Comment: Variant has Tier I (strong) clinical significance as a diagnostic inclusion criterion in adamantinous craniopharyngioma, based on the following evidence: 1) Documented in one or more cancer databases (e.g., St. Jude Pecan, COSMIC, CIViC, OncoKB). 2) Appears in one or more well-established professional guidelines (e.g., World Health Organization [WHO]; National Comprehensive Cancer Network [NCCN]) as providing diagnostic, prognostic, or therapeutic information. 3) Information in the literature supports potential biologic effect of variant (PMID: 29435196). 4) Diagnostic for a specific tumor type/classification according to professional guidelines (Evidence Level A; PMIDs: 12466115, 24413733, 28069929).

OMIM
Classification: Pathogenic for COLORECTAL CANCER, SOMATIC. Last evaluated: 1999-04-01. Review status: no assertion criteria provided. Collection method: literature only. Allele origin: somatic.

OMIM
Classification: Pathogenic for PILOMATRICOMA, SOMATIC. Last evaluated: 1999-04-01. Review status: no assertion criteria provided. Collection method: literature only. Allele origin: somatic.

Literature cited by the submitters: PubMed 29435196 (cited by Institute for Genomic Medicine (IGM) Clinical Laboratory, Nationwide Children's Hospital); PubMed 12466115 (cited by Institute for Genomic Medicine (IGM) Clinical Laboratory, Nationwide Children's Hospital); PubMed 24413733 (cited by Institute for Genomic Medicine (IGM) Clinical Laboratory, Nationwide Children's Hospital); PubMed 28069929 (cited by Institute for Genomic Medicine (IGM) Clinical Laboratory, Nationwide Children's Hospital); PubMed 9065402 (cited by OMIM); PubMed 9294210 (cited by OMIM); PubMed 10192393 (cited by OMIM).

NM_001904.4(CTNNB1):c.98C>A (p.Ser33Tyr)

Genes: CTNNB1 (catenin beta 1; plus strand), LOC126806658 (BRD4-independent group 4 enhancer GRCh37_chr3:41265899-41267098; plus strand). Cytogenetic location: 3p22.1.
Variant type: single nucleotide variant.
Coding change: c.98C>A on transcript NM_001904.4 (MANE Select); coding-DNA position 98, C replaced by A.
Protein change: p.Ser33Tyr; replaces serine 33 with tyrosine.
Molecular consequence: missense variant.
Genome position (GRCh38, 1-based): chr3:41,224,610, C>A. VCF-style: chr3-41224610-C-A. GRCh37 (hg19) VCF-style: chr3-41266101-C-A.
Other names: c.98C>A, p.Ser33Tyr (NM_001098209.2, NM_001098210.2); c.77C>A, p.Ser26Tyr (NM_001330729.2); short protein forms S33Y, S26Y.
Identifiers: ClinVar variation 17577 (VCV000017577.2), dbSNP rs121913400, ClinGen allele CA127263.